The following is an entry in ClinVar:

ClinVar aggregate classification (germline): Uncertain significance (1 of 4 stars; one submission).

gnomAD v4.1: 1 of 1,612,172 alleles (0.000062%); no homozygotes.

Submission:

Laboratory for Molecular Medicine, Mass General Brigham Personalized Medicine
Classification: Uncertain significance. Last evaluated: 2021-04-28. Review status: criteria provided, single submitter. Criteria: ACMG Guidelines, 2015. Collection method: clinical testing. Allele origin: germline.
Comment: The p.Ser256Asn variant in SOS1 has not been previously reported in individuals with clinical features of a RASopathy disorder and was absent from large population studies. Computational prediction tools and conservation analyses suggest that this variant may not impact the protein, though this information is not predictive enough to rule out pathogenicity. In summary, the clinical significance of this variant is uncertain. ACMG/AMP Criteria applied: BP4, PM2_Supporting.

NM_005633.4(SOS1):c.767G>A (p.Ser256Asn)

Gene: SOS1 (SOS Ras/Rac guanine nucleotide exchange factor 1; minus strand). Cytogenetic location: 2p22.1.
Variant type: single nucleotide variant.
Coding change: c.767G>A on transcript NM_005633.4 (MANE Select); coding-DNA position 767, G replaced by A.
Protein change: p.Ser256Asn; replaces serine 256 with asparagine.
Molecular consequence: missense variant.
Genome position (GRCh38, 1-based): chr2:39,051,241, C>T on the plus strand (G>A on the coding strand, the complement: SOS1 is on the minus strand). VCF-style: chr2-39051241-C-T. GRCh37 (hg19) VCF-style: chr2-39278382-C-T.
Other names: c.746G>A, p.Ser249Asn (NM_001382394.1); c.767G>A, p.Ser256Asn (NM_001382395.1); short protein forms S249N, S256N.
Identifiers: ClinVar variation 3075829 (VCV003075829.1), dbSNP rs2529155213, ClinGen allele CA346367758.